The following is an entry in ClinVar:

NM_000212.3(ITGB3):c.165+8G>A

Gene: ITGB3 (integrin subunit beta 3; plus strand). Cytogenetic location: 17q21.32.
Variant type: single nucleotide variant.
Coding change: c.165+8G>A on transcript NM_000212.3 (MANE Select); 8 bases into the intron after coding-DNA position 165, G replaced by A.
Molecular consequence: intron variant.
Genome position (GRCh38, 1-based): chr17:47,274,512, G>A. VCF-style: chr17-47274512-G-A. GRCh37 (hg19) VCF-style: chr17-45351878-G-A.
Other names: p.?.
Identifiers: ClinVar variation 752207 (VCV000752207.6), dbSNP rs1361801589, ClinGen allele CA626380494.

ClinVar aggregate classification (germline): Likely benign. Review status: criteria provided, multiple submitters, no conflicts (2 of 4 stars). 3 submissions from 3 submitters: Likely benign (2). 1 of the submissions does not count toward it. Last evaluated 2025-02-11.

Conditions:
ITGB3-related disorder. Also called: ITGB3-related condition.

Allele frequency attached by ClinVar (database versions not stated): TOPMed below 0.00001; gnomAD exomes 0.00001 and below 0.00001.
gnomAD v4.1: 5 of 1,612,294 alleles (0.00031%); highest among the groups gnomAD compares: Non-Finnish European, 0.00042%; no homozygotes.

Submissions (3):

Mayo Clinic Laboratories, Mayo Clinic
Classification: Likely benign. Last evaluated: 2025-02-11. Review status: criteria provided, single submitter. Criteria: ACMG Guidelines, 2015. Collection method: clinical testing. Allele origin: germline. Observed: 1 variant allele.
Comment: BP4, BP7, PM2_supporting

Labcorp Genetics (formerly Invitae), Labcorp
Classification: Likely benign. Last evaluated: 2018-09-13. Review status: criteria provided, single submitter. Criteria: Invitae Variant Classification Sherloc (09022015). Collection method: clinical testing. Allele origin: germline.

PreventionGenetics, part of Exact Sciences
Classification: Likely benign for ITGB3-related condition. Last evaluated: 2019-06-18. Review status: no assertion criteria provided. Collection method: clinical testing. Allele origin: germline. Not counted in ClinVar's aggregate classification.
Comment: This variant is classified as likely benign based on ACMG/AMP sequence variant interpretation guidelines (Richards et al. 2015 PMID: 25741868, with internal and published modifications).